The following is an entry in ClinVar:

NM_006662.3(SRCAP):c.6923A>G (p.Gln2308Arg)

Gene: SRCAP (Snf2 related CREBBP activator protein; plus strand). Cytogenetic location: 16p11.2.
Variant type: single nucleotide variant.
Coding change: c.6923A>G on transcript NM_006662.3 (MANE Select); coding-DNA position 6923, A replaced by G.
Protein change: p.Gln2308Arg; replaces glutamine 2308 with arginine.
Molecular consequence: missense variant.
Genome position (GRCh38, 1-based): chr16:30,736,393, A>G. VCF-style: chr16-30736393-A-G. GRCh37 (hg19) VCF-style: chr16-30747714-A-G.
Other names: short protein forms Q2308R.
Identifiers: ClinVar variation 2994883 (VCV002994883.3), dbSNP rs2506722560, ClinGen allele CA395629215.

ClinVar aggregate classification (germline): Uncertain significance (1 of 4 stars; one submission).

Submission:

Labcorp Genetics (formerly Invitae), Labcorp
Classification: Uncertain significance. Last evaluated: 2023-06-23. Review status: criteria provided, single submitter. Criteria: Invitae Variant Classification Sherloc (09022015). Collection method: clinical testing. Allele origin: germline.
Comment: In summary, the available evidence is currently insufficient to determine the role of this variant in disease. Therefore, it has been classified as a Variant of Uncertain Significance. An algorithm developed to predict the effect of missense changes on protein structure and function (PolyPhen-2) suggests that this variant is likely to be disruptive. This variant has not been reported in the literature in individuals affected with SRCAP-related conditions. This variant is not present in population databases (gnomAD no frequency). This sequence change replaces glutamine, which is neutral and polar, with arginine, which is basic and polar, at codon 2308 of the SRCAP protein (p.Gln2308Arg).